The following is an entry in ClinVar:

ClinVar aggregate classification (germline): Uncertain significance (1 of 4 stars; one submission).

Allele frequency attached by ClinVar (database versions not stated): gnomAD exomes 0.00001; TOPMed 0.00001.
gnomAD v4.1: 4 of 1,614,132 alleles (0.00025%); highest among the groups gnomAD compares: Admixed American, 0.0067%; no homozygotes.

Submission:

Labcorp Genetics (formerly Invitae), Labcorp
Classification: Uncertain significance. Last evaluated: 2022-02-22. Review status: criteria provided, single submitter. Criteria: Invitae Variant Classification Sherloc (09022015). Collection method: clinical testing. Allele origin: germline.
Comment: This variant is present in population databases (rs200750946, gnomAD 0.003%). This sequence change replaces leucine, which is neutral and non-polar, with proline, which is neutral and non-polar, at codon 1127 of the ERBIN protein (p.Leu1127Pro). This variant has not been reported in the literature in individuals affected with ERBIN-related conditions. In summary, the available evidence is currently insufficient to determine the role of this variant in disease. Therefore, it has been classified as a Variant of Uncertain Significance. Algorithms developed to predict the effect of missense changes on protein structure and function are either unavailable or do not agree on the potential impact of this missense change (SIFT: "Deleterious"; PolyPhen-2: "Probably Damaging"; Align-GVGD: "Class C0").

NM_001253697.2(ERBIN):c.3380T>C (p.Leu1127Pro)

Gene: ERBIN (erbb2 interacting protein; plus strand). Cytogenetic location: 5q12.3.
Variant type: single nucleotide variant.
Coding change: c.3380T>C on transcript NM_001253697.2 (MANE Select); coding-DNA position 3380, T replaced by C.
Protein change: p.Leu1127Pro; replaces leucine 1127 with proline.
Molecular consequence: missense variant.
Genome position (GRCh38, 1-based): chr5:66,054,698, T>C. VCF-style: chr5-66054698-T-C. GRCh37 (hg19) VCF-style: chr5-65350526-T-C.
Other names: c.3380T>C, p.Leu1127Pro (NM_001006600.3, NM_001253698.2, NM_001253699.2 and 1 more transcripts); c.3368T>C, p.Leu1123Pro (NM_001253701.2); short protein forms L1123P, L1127P.
Identifiers: ClinVar variation 1983506 (VCV001983506.4), dbSNP rs200750946, ClinGen allele CA119868767.